The following is an entry in ClinVar:

ClinVar aggregate classification (germline): Pathogenic (1 of 4 stars; one submission).

Allele frequency attached by ClinVar (database versions not stated): gnomAD exomes below 0.00001; TOPMed below 0.00001.
gnomAD v4.1: 2 of 1,613,538 alleles (0.00012%); highest among the groups gnomAD compares: Non-Finnish European, 0.00017%; no homozygotes.

Submission:

Labcorp Genetics (formerly Invitae), Labcorp
Classification: Pathogenic. Last evaluated: 2023-08-02. Review status: criteria provided, single submitter. Criteria: Invitae Variant Classification Sherloc (09022015). Collection method: clinical testing. Allele origin: germline.
Comment: This variant has not been reported in the literature in individuals affected with MCPH1-related conditions. For these reasons, this variant has been classified as Pathogenic. This variant is present in population databases (no rsID available, gnomAD 0.0009%). This sequence change creates a premature translational stop signal (p.Ser40*) in the MCPH1 gene. It is expected to result in an absent or disrupted protein product. Loss-of-function variants in MCPH1 are known to be pathogenic (PMID: 20978018).

Literature cited by the submitters: PubMed 20978018.

NM_024596.5(MCPH1):c.119C>G (p.Ser40Ter)

Gene: MCPH1 (microcephalin 1; plus strand). Cytogenetic location: 8p23.1.
Variant type: single nucleotide variant.
Coding change: c.119C>G on transcript NM_024596.5 (MANE Select); coding-DNA position 119, C replaced by G.
Protein change: p.Ser40Ter; replaces serine 40 with a stop codon.
Molecular consequence: nonsense. On other transcripts: non-coding transcript variant (1).
Genome position (GRCh38, 1-based): chr8:6,414,769, C>G. VCF-style: chr8-6414769-C-G. GRCh37 (hg19) VCF-style: chr8-6272290-C-G.
Other names: c.119C>G, p.Ser40Ter (NM_001172574.2, NM_001172575.2, NM_001322042.2 and 4 more transcripts); c.113C>G, p.Ser38Ter (NM_001322043.2); c.17C>G, p.Ser6Ter (NM_001322045.2); short protein forms S38*, S40*, S6*.
Identifiers: ClinVar variation 2793324 (VCV002793324.3), dbSNP rs1345028835, ClinGen allele CA370215921.